The following is an entry in ClinVar:

NM_006254.4(PRKCD):c.1118A>G (p.Glu373Gly)

Gene: PRKCD (protein kinase C delta; plus strand). Cytogenetic location: 3p21.1.
Variant type: single nucleotide variant.
Coding change: c.1118A>G on transcript NM_006254.4 (MANE Select); coding-DNA position 1118, A replaced by G.
Protein change: p.Glu373Gly; replaces glutamic acid 373 with glycine.
Molecular consequence: missense variant.
Genome position (GRCh38, 1-based): chr3:53,186,198, A>G. VCF-style: chr3-53186198-A-G. GRCh37 (hg19) VCF-style: chr3-53220214-A-G.
Other names: c.1118A>G, p.Glu373Gly (NM_001316327.2, NM_001354679.2, NM_001354680.2 and 1 more transcripts); c.1175A>G, p.Glu392Gly (NM_001354676.2); c.1166A>G, p.Glu389Gly (NM_001354678.2); short protein forms E392G, E373G, E389G.
Identifiers: ClinVar variation 1927789 (VCV001927789.4), dbSNP rs1214534580, ClinGen allele CA353221622.
Genomic context (GRCh38, chr3:53,186,198, plus strand): 5'-CCTGCTCAGCACCCGTGTCTCCCCATCAGGTGCTGCTTGGAGAGCTGAAGGGCAGAGGAG[A>G]GTACTTTGCCATCAAGGCCCTCAAGAAGGATGTGGTCCTGATCGACGACGACGTGGAGTG-3'
Protein context (NP_006245.2, residues 363-383): VLLGELKGRG[Glu373Gly]YFAIKALKKD

ClinVar aggregate classification (germline): Uncertain significance (1 of 4 stars; one submission).

Conditions:
Autoimmune lymphoproliferative syndrome, type III caused by mutation in PRKCD. Identifiers: Orphanet 3261, Orphanet 664711, MedGen C3809928, MONDO:8000024, OMIM 615559.

Allele frequency attached by ClinVar (database versions not stated): TOPMed below 0.00001; gnomAD 0.00001.

Submission:

Labcorp Genetics (formerly Invitae), Labcorp
Classification: Uncertain significance for Autoimmune lymphoproliferative syndrome, type III caused by mutation in PRKCD. Last evaluated: 2024-10-29. Review status: criteria provided, single submitter. Criteria: Invitae Variant Classification Sherloc (09022015). Collection method: clinical testing. Allele origin: germline.
Comment: This sequence change replaces glutamic acid, which is acidic and polar, with glycine, which is neutral and non-polar, at codon 373 of the PRKCD protein (p.Glu373Gly). This variant is not present in population databases (gnomAD no frequency). This variant has not been reported in the literature in individuals affected with PRKCD-related conditions. ClinVar contains an entry for this variant (Variation ID: 1927789). An algorithm developed to predict the effect of missense changes on protein structure and function (PolyPhen-2) suggests that this variant¬†is likely to be tolerated. In summary, the available evidence is currently insufficient to determine the role of this variant in disease. Therefore, it has been classified as a Variant of Uncertain Significance.